The following is an entry in ClinVar:

ClinVar aggregate classification (germline): Uncertain significance (1 of 4 stars; one submission).

Submission:

Labcorp Genetics (formerly Invitae), Labcorp
Classification: Uncertain significance. Last evaluated: 2022-08-16. Review status: criteria provided, single submitter. Criteria: Invitae Variant Classification Sherloc (09022015). Collection method: clinical testing. Allele origin: germline.
Comment: In summary, the available evidence is currently insufficient to determine the role of this variant in disease. Therefore, it has been classified as a Variant of Uncertain Significance. Advanced modeling of protein sequence and biophysical properties (such as structural, functional, and spatial information, amino acid conservation, physicochemical variation, residue mobility, and thermodynamic stability) performed at Invitae indicates that this missense variant is not expected to disrupt SI protein function. ClinVar contains an entry for this variant (Variation ID: 1510803). This variant has not been reported in the literature in individuals affected with SI-related conditions. This variant is not present in population databases (gnomAD no frequency). This sequence change replaces proline, which is neutral and non-polar, with serine, which is neutral and polar, at codon 1821 of the SI protein (p.Pro1821Ser).

NM_001041.4(SI):c.5461C>T (p.Pro1821Ser)

Gene: SI (sucrase-isomaltase; minus strand). Cytogenetic location: 3q26.1.
Variant type: single nucleotide variant.
Coding change: c.5461C>T on transcript NM_001041.4 (MANE Select); coding-DNA position 5461, C replaced by T.
Protein change: p.Pro1821Ser; replaces proline 1821 with serine.
Molecular consequence: missense variant.
Genome position (GRCh38, 1-based): chr3:164,979,385, G>A on the plus strand (C>T on the coding strand, the complement: SI is on the minus strand). VCF-style: chr3-164979385-G-A. GRCh37 (hg19) VCF-style: chr3-164697173-G-A.
Other names: short protein forms P1821S.
Identifiers: ClinVar variation 1510803 (VCV001510803.6), dbSNP rs2108103108, ClinGen allele CA355107144.